The following is an entry in ClinVar:

NM_000535.7(PMS2):c.741_742insTGAAG (p.Ser248Ter)

Gene: PMS2 (PMS1 homolog 2, mismatch repair system component; minus strand). Cytogenetic location: 7p22.1.
Variant type: Insertion.
Coding change: c.741_742insTGAAG on transcript NM_000535.7 (MANE Select); coding-DNA positions 741 to 742, TGAAG inserted.
Protein change: p.Ser248Ter; replaces serine 248 with a stop codon.
Molecular consequence: nonsense. On other transcripts: 5 prime UTR variant (2), non-coding transcript variant (1).
Genome position: GRCh38 VCF-style: chr7-5997387-T-TCTTCA. GRCh37 (hg19) VCF-style: chr7-6037018-T-TCTTCA.
Other names: c.336_337insTGAAG, p.Ser113Ter (NM_001322003.2, NM_001322004.2, NM_001322005.2 and 2 more transcripts); c.741_742insTGAAG, p.Ser248Ter (NM_001322006.2, NM_001322014.2); c.423_424insTGAAG, p.Ser142Ter (NM_001322007.2, NM_001322008.2); c.-193_-192insTGAAG (NM_001322011.2, NM_001322012.2); c.168_169insTGAAG, p.Ser57Ter (NM_001322013.2); c.432_433insTGAAG, p.Ser145Ter (NM_001322015.2); short protein forms S145*, S248*, S57*, S113*, S142*.
Identifiers: ClinVar variation 689355 (VCV000689355.3), dbSNP rs756653193, ClinGen allele CA915944830.
Genomic context (GRCh38, chr7:5,997,387, plus strand): 5'-AAAAAAGATTATGCAGAGCATCGGAACAGCTCAAACCGTACTCTTCACACACGGAGTCAC[T>TCTTCA]AGGGGGCAGCTGAACAAAAGGAATGAGGCTTTGCAACTGAAAAAAAAAAAAAAAAATTCA-3'

ClinVar aggregate classification (germline): Likely pathogenic. Review status: criteria provided, single submitter (1 of 4 stars). 2 submissions from 2 submitters: Likely pathogenic (1). 1 of the submissions does not count toward it. Last evaluated 2018-01-26.

Conditions:
Hereditary cancer-predisposing syndrome. Also called: Neoplastic Syndromes, Hereditary; Tumor predisposition; Hereditary neoplastic syndrome; Hereditary Cancer Syndrome. Identifiers: Orphanet 140162, MedGen C0027672, MeSH D009386, MONDO:0015356.
Lynch syndrome 4 (LYNCH4). Also called: Colorectal cancer, hereditary nonpolyposis, type 4; Hereditary non-polyposis colorectal cancer, type 4. Identifiers: Orphanet 144, MedGen C1838333, MONDO:0013699, OMIM 614337. Disease mechanism: loss of function.

Submissions (2):

Academic Department of Medical Genetics, University of Cambridge
Classification: Likely pathogenic for Hereditary cancer-predisposing syndrome. Last evaluated: 2018-01-26. Review status: criteria provided, single submitter. Criteria: ACMG Guidelines, 2015. Collection method: research. Allele origin: germline. Affected: yes. Observed: 1 heterozygote.
Comment: Application of AMCG guidelines 2015. Used other ClinVar submission evidence where relevant. Loss of heterozygosity in tumours or immunohistochemistry abnormalities considered functional evidence of pathogenicity.

Identified as part of research study of individuals with multiple primary tumours referred for genetic assessment

Genomics England Pilot Project, Genomics England
Classification: Pathogenic for Lynch syndrome 4. Review status: no assertion criteria provided. Criteria: ACGS Guidelines, 2016. Collection method: clinical testing. Allele origin: germline. Affected: yes. Not counted in ClinVar's aggregate classification.